The following is an entry in ClinVar:

NM_001009999.3(KDM1A):c.2426C>T (p.Ser809Leu)

Gene: KDM1A (lysine demethylase 1A; plus strand). Cytogenetic location: 1p36.12.
Variant type: single nucleotide variant.
Coding change: c.2426C>T on transcript NM_001009999.3 (MANE Select); coding-DNA position 2426, C replaced by T.
Protein change: p.Ser809Leu; replaces serine 809 with leucine.
Molecular consequence: missense variant.
Genome position (GRCh38, 1-based): chr1:23,082,347, C>T. VCF-style: chr1-23082347-C-T. GRCh37 (hg19) VCF-style: chr1-23408840-C-T.
Other names: c.2372C>T, p.Ser791Leu (NM_001363654.2); c.2432C>T, p.Ser811Leu (NM_001410762.1); c.2354C>T, p.Ser785Leu (NM_001410763.1, NM_015013.4); short protein forms S811L, S791L, S809L, S785L.
Identifiers: ClinVar variation 3863220 (VCV003863220.2).

ClinVar aggregate classification (germline): Uncertain significance. Review status: criteria provided, multiple submitters, no conflicts (2 of 4 stars). 2 submissions from 2 submitters: Uncertain significance (2). Last evaluated 2025-12-01.

Conditions:
Inborn genetic diseases. Identifiers: MedGen C0950123, MeSH D030342.

gnomAD v4.1: 11 of 1,611,776 alleles (0.00068%); highest among the groups gnomAD compares: East Asian, 0.016%; no homozygotes.

Submissions (2):

Labcorp Genetics (formerly Invitae), Labcorp
Classification: Uncertain significance. Last evaluated: 2025-12-01. Review status: criteria provided, single submitter. Criteria: Invitae Variant Classification Sherloc (09022015). Collection method: clinical testing. Allele origin: germline.
Comment: This sequence change replaces serine, which is neutral and polar, with leucine, which is neutral and non-polar, at codon 809 of the KDM1A protein (p.Ser809Leu). This variant is present in population databases (rs771287901, gnomAD 0.006%). This variant has not been reported in the literature in individuals affected with KDM1A-related conditions. ClinVar contains an entry for this variant (Variation ID: 3863220). An algorithm developed to predict the effect of missense changes on protein structure and function (PolyPhen-2) suggests that this variant is likely to be tolerated. In summary, the available evidence is currently insufficient to determine the role of this variant in disease. Therefore, it has been classified as a Variant of Uncertain Significance.

Ambry Genetics
Classification: Uncertain significance for Inborn genetic diseases. Last evaluated: 2024-12-20. Review status: criteria provided, single submitter. Criteria: Ambry Variant Classification Scheme 2023. Collection method: clinical testing. Allele origin: germline.
Comment: The p.S809L variant (also known as c.2426C>T), located in coding exon 20 of the KDM1A gene, results from a C to T substitution at nucleotide position 2426. The serine at codon 809 is replaced by leucine, an amino acid with dissimilar properties. This amino acid position is conserved. In addition, this alteration is predicted to be tolerated by in silico analysis. Based on the available evidence, the clinical significance of this variant remains unclear.